The following is an entry in ClinVar:

ClinVar aggregate classification (germline): Pathogenic/Likely pathogenic. Review status: criteria provided, multiple submitters, no conflicts (2 of 4 stars). 3 submissions from 3 submitters: Pathogenic (1); Likely pathogenic (1). 1 of the submissions does not count toward it. Last evaluated 2024-04-01.

Conditions:
Distal myopathy with posterior leg and anterior hand involvement. Also called: WILLIAMS DISTAL MYOPATHY. Identifiers: Orphanet 63273, MedGen C3279722, MONDO:0013550, OMIM 614065.

Submissions (3):

CeGaT Center for Human Genetics Tuebingen
Classification: Pathogenic. Last evaluated: 2024-04-01. Review status: criteria provided, single submitter. Criteria: CeGaT Center For Human Genetics Tuebingen Variant Classification Criteria Version 2. Collection method: clinical testing. Allele origin: germline. Affected: yes. Observed: 1 variant allele.
Comment: FLNC: PP4:Strong, PM2, PP1, PP3, PS3:Supporting, PS4:Supporting

Revvity Omics, Revvity
Classification: Likely pathogenic. Last evaluated: 2019-10-22. Review status: criteria provided, single submitter. Criteria: ACMG Guidelines, 2015. Collection method: clinical testing. Allele origin: germline.

OMIM
Classification: Pathogenic for MYOPATHY, DISTAL, 4. Last evaluated: 2011-06-10. Review status: no assertion criteria provided. Collection method: literature only. Allele origin: germline. Not counted in ClinVar's aggregate classification.

Literature cited by the submitters: PubMed 15824355 (cited by OMIM); PubMed 21620354 (cited by OMIM).

NM_001458.5(FLNC):c.752T>C (p.Met251Thr)

Gene: FLNC (filamin C; plus strand). Cytogenetic location: 7q32.1.
Variant type: single nucleotide variant.
Coding change: c.752T>C on transcript NM_001458.5 (MANE Select); coding-DNA position 752, T replaced by C.
Protein change: p.Met251Thr; replaces methionine 251 with threonine.
Molecular consequence: missense variant.
Genome position (GRCh38, 1-based): chr7:128,837,450, T>C. VCF-style: chr7-128837450-T-C. GRCh37 (hg19) VCF-style: chr7-128477504-T-C.
Other names: c.752T>C, p.Met251Thr (NM_001127487.2); short protein forms M251T.
Identifiers: ClinVar variation 29591 (VCV000029591.26), dbSNP rs387906586, ClinGen allele CA128477.